The following is an entry in ClinVar:

NM_000264.5(PTCH1):c.1491T>C (p.Ala497=)

Gene: PTCH1 (patched 1; minus strand). Cytogenetic location: 9q22.32.
Variant type: single nucleotide variant.
Coding change: c.1491T>C on transcript NM_000264.5 (MANE Select); coding-DNA position 1491, T replaced by C.
Protein change: p.Ala497=; no amino-acid change (alanine 497 retained).
Molecular consequence: synonymous variant. On other transcripts: non-coding transcript variant (1), intron variant (1).
Genome position (GRCh38, 1-based): chr9:95,477,559, A>G on the plus strand (T>C on the coding strand, the complement: PTCH1 is on the minus strand). VCF-style: chr9-95477559-A-G. GRCh37 (hg19) VCF-style: chr9-98239841-A-G.
Other names: c.1293T>C, p.Ala431= (NM_001083602.3); c.1488T>C, p.Ala496= (NM_001083603.3); c.1038T>C, p.Ala346= (NM_001083604.3, NM_001083605.3, NM_001083606.3 and 1 more transcripts); c.1347+496T>C (NM_001354918.2).
Identifiers: ClinVar variation 415487 (VCV000415487.15), dbSNP rs1060504538, ClinGen allele CA16612861.

ClinVar aggregate classification (germline): Conflicting classifications of pathogenicity. Review status: criteria provided, conflicting classifications (1 of 4 stars). 3 submissions from 3 submitters: Uncertain significance (1); Likely benign (2). Last evaluated 2024-03-18.

Conditions:
Hereditary cancer-predisposing syndrome. Also called: Tumor predisposition; Neoplastic Syndromes, Hereditary; Hereditary Cancer Syndrome; Hereditary neoplastic syndrome. Identifiers: Orphanet 140162, MedGen C0027672, MeSH D009386, MONDO:0015356.
Gorlin syndrome. Also called: Nevoid Basal Cell Carcinoma Syndrome; Basal cell nevus syndrome. Identifiers: Orphanet 377, MedGen C0004779, MONDO:0007187.

Allele frequency attached by ClinVar (database versions not stated): gnomAD exomes below 0.00001; TOPMed below 0.00001.
gnomAD v4.1: 2 of 1,614,190 alleles (0.00012%); highest among the groups gnomAD compares: Admixed American, 0.0017%; no homozygotes.

Submissions (3):

Labcorp Genetics (formerly Invitae), Labcorp
Classification: Likely benign for Gorlin syndrome. Last evaluated: 2024-03-18. Review status: criteria provided, single submitter. Criteria: Invitae Variant Classification Sherloc (09022015). Collection method: clinical testing. Allele origin: germline.

Greenwood Genetic Center Diagnostic Laboratories, Greenwood Genetic Center
Classification: Uncertain significance. Last evaluated: 2023-11-06. Review status: criteria provided, single submitter. Criteria: ACMG Guidelines, 2015. Collection method: clinical testing. Allele origin: germline. Affected: yes.
Comment: BP7

Ambry Genetics
Classification: Likely benign for Hereditary cancer-predisposing syndrome. Last evaluated: 2023-05-15. Review status: criteria provided, single submitter. Criteria: Ambry Variant Classification Scheme 2023. Collection method: clinical testing. Allele origin: germline.